The following is an entry in ClinVar:

ClinVar aggregate classification (germline): Uncertain significance. Review status: criteria provided, multiple submitters, no conflicts (2 of 4 stars). 2 submissions from 2 submitters: Uncertain significance (2). Last evaluated 2025-12-01.

Conditions:
Cardiovascular phenotype. Identifiers: MedGen CN230736.

Allele frequency attached by ClinVar (database versions not stated): ExAC 0.00001; gnomAD 0.00001.
gnomAD v4.1: 16 of 1,613,938 alleles (0.00099%); highest among the groups gnomAD compares: East Asian, 0.0045%; no homozygotes.

Submissions (2):

Ambry Genetics
Classification: Uncertain significance for Cardiovascular phenotype. Last evaluated: 2025-12-01. Review status: criteria provided, single submitter. Criteria: Ambry Variant Classification Scheme 2023. Collection method: clinical testing. Allele origin: germline.
Comment: The p.A1688T variant (also known as c.5062G>A), located in coding exon 11 of the ALPK3 gene, results from a G to A substitution at nucleotide position 5062. The alanine at codon 1688 is replaced by threonine, an amino acid with similar properties. This amino acid position is conserved. In addition, this alteration is predicted to be tolerated by in silico analysis. Based on the available evidence, the clinical significance of this variant remains unclear.

Labcorp Genetics (formerly Invitae), Labcorp
Classification: Uncertain significance. Last evaluated: 2025-01-21. Review status: criteria provided, single submitter. Criteria: Invitae Variant Classification Sherloc (09022015). Collection method: clinical testing. Allele origin: germline.
Comment: This sequence change replaces alanine, which is neutral and non-polar, with threonine, which is neutral and polar, at codon 1688 of the ALPK3 protein (p.Ala1688Thr). This variant is present in population databases (rs751953827, gnomAD 0.006%). This variant has not been reported in the literature in individuals affected with ALPK3-related conditions. ClinVar contains an entry for this variant (Variation ID: 1508203). Invitae Evidence Modeling of protein sequence and biophysical properties (such as structural, functional, and spatial information, amino acid conservation, physicochemical variation, residue mobility, and thermodynamic stability) indicates that this missense variant is expected to disrupt ALPK3 protein function with a positive predictive value of 80%. In summary, the available evidence is currently insufficient to determine the role of this variant in disease. Therefore, it has been classified as a Variant of Uncertain Significance.

NM_020778.5(ALPK3):c.4456G>A (p.Ala1486Thr)

Gene: ALPK3 (alpha kinase 3; plus strand). Cytogenetic location: 15q25.3.
Variant type: single nucleotide variant.
Coding change: c.4456G>A on transcript NM_020778.5 (MANE Select); coding-DNA position 4456, G replaced by A.
Protein change: p.Ala1486Thr; replaces alanine 1486 with threonine.
Molecular consequence: missense variant.
Genome position (GRCh38, 1-based): chr15:84,863,597, G>A. VCF-style: chr15-84863597-G-A. GRCh37 (hg19) VCF-style: chr15-85406828-G-A.
Other names: c.5062G>A (NM_020778.4); short protein forms A1486T.
Identifiers: ClinVar variation 1508203 (VCV001508203.9), dbSNP rs751953827, ClinGen allele CA7709974.